The following is an entry in ClinVar:

ClinVar aggregate classification (germline): Uncertain significance (1 of 4 stars; one submission).

gnomAD v4.1: 21 of 1,548,686 alleles (0.0014%); highest among the groups gnomAD compares: African/African-American, 0.0028%; no homozygotes.

Submission:

Labcorp Genetics (formerly Invitae), Labcorp
Classification: Uncertain significance. Last evaluated: 2024-05-15. Review status: criteria provided, single submitter. Criteria: Invitae Variant Classification Sherloc (09022015). Collection method: clinical testing. Allele origin: germline.
Comment: This sequence change replaces asparagine, which is neutral and polar, with lysine, which is basic and polar, at codon 2148 of the WDR87 protein (p.Asn2148Lys). This variant is present in population databases (no rsID available, gnomAD 0.005%). This variant has not been reported in the literature in individuals affected with WDR87-related conditions. Algorithms developed to predict the effect of missense changes on protein structure and function output the following: SIFT: "Not Available"; PolyPhen-2: "Benign"; Align-GVGD: "Not Available". The lysine amino acid residue is found in multiple mammalian species, which suggests that this missense change does not adversely affect protein function. In summary, the available evidence is currently insufficient to determine the role of this variant in disease. Therefore, it has been classified as a Variant of Uncertain Significance.

NM_001291088.2(WDR87):c.6561C>G (p.Asn2187Lys)

Gene: WDR87 (WD repeat domain 87; minus strand). Cytogenetic location: 19q13.13.
Variant type: single nucleotide variant.
Coding change: c.6561C>G on transcript NM_001291088.2 (MANE Select); coding-DNA position 6561, C replaced by G.
Protein change: p.Asn2187Lys; replaces asparagine 2187 with lysine.
Molecular consequence: missense variant.
Genome position (GRCh38, 1-based): chr19:37,887,110, G>C on the plus strand (C>G on the coding strand, the complement: WDR87 is on the minus strand). VCF-style: chr19-37887110-G-C. GRCh37 (hg19) VCF-style: chr19-38377750-G-C.
Other names: c.6444C>G, p.Asn2148Lys (NM_031951.5); short protein forms N2148K, N2187K.
Identifiers: ClinVar variation 3716692 (VCV003716692.2).